The following is an entry in ClinVar:

ClinVar aggregate classification (germline): Conflicting classifications of pathogenicity. Review status: criteria provided, conflicting classifications (1 of 4 stars). 4 submissions from 4 submitters: Uncertain significance (3); Likely benign (1). Last evaluated 2025-08-24.

Conditions:
Hereditary breast ovarian cancer syndrome. Also called: Hereditary breast and ovarian cancer syndrome (HBOC); Hereditary breast and/or ovarian cancer syndrome; Hereditary breast and ovarian cancer; BRCA1- and BRCA2-Associated Hereditary Breast and Ovarian Cancer; Hereditary breast and ovarian cancer syndrome; Breast and ovarian cancer. Identifiers: Orphanet 145, MedGen C0677776, MeSH D061325, MONDO:0003582. Disease mechanism: loss of function.
Breast-ovarian cancer, familial, susceptibility to, 1 (BROVCA1). Also called: BRCA1 Hereditary Breast and Ovarian Cancer; OVARIAN CANCER, SUSCEPTIBILITY TO. Identifiers: Orphanet 145, MedGen C2676676, MONDO:0011450, OMIM 604370. Disease mechanism: loss of function.
Hereditary cancer-predisposing syndrome. Also called: Hereditary neoplastic syndrome; Tumor predisposition; Neoplastic Syndromes, Hereditary; Hereditary Cancer Syndrome. Identifiers: Orphanet 140162, MedGen C0027672, MeSH D009386, MONDO:0015356.

Allele frequency attached by ClinVar (database versions not stated): TOPMed below 0.00001.

Submissions (4):

Labcorp Genetics (formerly Invitae), Labcorp
Classification: Uncertain significance for Hereditary breast ovarian cancer syndrome. Last evaluated: 2025-08-24. Review status: criteria provided, single submitter. Criteria: Invitae Variant Classification Sherloc (09022015). Collection method: clinical testing. Allele origin: germline.
Comment: This sequence change replaces proline, which is neutral and non-polar, with arginine, which is basic and polar, at codon 1464 of the BRCA1 protein (p.Pro1464Arg). This variant is not present in population databases (gnomAD no frequency). This variant has not been reported in the literature in individuals affected with BRCA1-related conditions. ClinVar contains an entry for this variant (Variation ID: 944868). Invitae Evidence Modeling of protein sequence and biophysical properties (such as structural, functional, and spatial information, amino acid conservation, physicochemical variation, residue mobility, and thermodynamic stability) indicates that this missense variant is not expected to disrupt BRCA1 protein function with a negative predictive value of 95%. In summary, the available evidence is currently insufficient to determine the role of this variant in disease. Therefore, it has been classified as a Variant of Uncertain Significance.

Ambry Genetics
Classification: Uncertain significance for Hereditary cancer-predisposing syndrome. Last evaluated: 2025-07-29. Review status: criteria provided, single submitter. Criteria: Ambry Variant Classification Scheme 2023. Collection method: clinical testing. Allele origin: germline.
Comment: The p.P1464R variant (also known as c.4391C>G), located in coding exon 12 of the BRCA1 gene, results from a C to G substitution at nucleotide position 4391. The proline at codon 1464 is replaced by arginine, an amino acid with dissimilar properties. This amino acid position is not well conserved in available vertebrate species. In addition, the in silico prediction for this alteration is inconclusive. Based on the available evidence, the clinical significance of this variant remains unclear.

Myriad Genetics, Inc.
Classification: Likely benign for Breast-ovarian cancer, familial, susceptibility to, 1. Last evaluated: 2023-06-12. Review status: criteria provided, single submitter. Criteria: Myriad Autosomal Dominant, Autosomal Recessive and X-Linked Classification Criteria (2023). Collection method: clinical testing. Allele origin: unknown.
Comment: This variant is considered likely benign. This variant is strongly associated with less severe personal and family histories of cancer, typical for individuals without pathogenic variants in this gene [PMID: 25085752].

Quest Diagnostics Nichols Institute San Juan Capistrano
Classification: Uncertain significance. Last evaluated: 2020-09-21. Review status: criteria provided, single submitter. Criteria: Quest Diagnostics criteria. Collection method: clinical testing. Allele origin: unknown.

Literature cited by the submitters: PubMed 25085752 (cited by Myriad Genetics, Inc.).

NM_007294.4(BRCA1):c.4391C>G (p.Pro1464Arg)

Gene: BRCA1 (BRCA1 DNA repair associated; minus strand). Cytogenetic location: 17q21.31.
Variant type: single nucleotide variant.
Coding change: c.4391C>G on transcript NM_007294.4 (MANE Select); coding-DNA position 4391, C replaced by G.
Protein change: p.Pro1464Arg; replaces proline 1464 with arginine.
Molecular consequence: missense variant. On other transcripts: non-coding transcript variant (1).
Genome position (GRCh38, 1-based): chr17:43,076,581, G>C on the plus strand (C>G on the coding strand, the complement: BRCA1 is on the minus strand). VCF-style: chr17-43076581-G-C. GRCh37 (hg19) VCF-style: chr17-41228598-G-C.
Other names: c.4178C>G, p.Pro1393Arg (NM_001407571.1, NM_001407894.1, NM_001407895.1 and 12 more transcripts); c.4457C>G, p.Pro1486Arg (NM_001407581.1, NM_001407582.1); c.4454C>G, p.Pro1485Arg (NM_001407583.1, NM_001407585.1, NM_001407587.1 and 1 more transcripts); c.4451C>G, p.Pro1484Arg (NM_001407590.1, NM_001407591.1); c.4391C>G, p.Pro1464Arg (NM_001407593.1, NM_001407594.1, NM_001407596.1 and 8 more transcripts); c.4388C>G, p.Pro1463Arg (NM_001407616.1, NM_001407617.1, NM_001407618.1 and 17 more transcripts); c.4385C>G, p.Pro1462Arg (NM_001407635.1, NM_001407636.1, NM_001407637.1 and 14 more transcripts); c.4382C>G, p.Pro1461Arg (NM_001407644.1, NM_001407645.1); and 68 more; short protein forms P360R, P1485R, P1417R, P1464R, P1168R, P1353R, P1445R, P1459R.
Identifiers: ClinVar variation 944868 (VCV000944868.12), dbSNP rs2052738000, ClinGen allele CA10592754.